The following is an entry in ClinVar:

ClinVar aggregate classification (germline): Conflicting classifications of pathogenicity. Review status: criteria provided, conflicting classifications (1 of 4 stars). 6 submissions from 6 submitters: Uncertain significance (2); Benign (3); Likely benign (1). Last evaluated 2025-04-11.

Conditions:
Familial juvenile hyperuricemic nephropathy type 1 (ADTKD1). Also called: Glomerulocystic kidney disease with hyperuricemia and isosthenuria; Medullary cystic kidney disease 2; Autosomal Dominant Tubulointerstitial Kidney Disease – UMOD; UMOD-Associated Kidney Disease; Uromodulin-associated kidney disease. Identifiers: Orphanet 209886, Orphanet 34149, Orphanet 88950, MedGen C4551496, MONDO:0008073, OMIM 162000.
Inborn genetic diseases. Identifiers: MedGen C0950123, MeSH D030342.

Allele frequency attached by ClinVar (database versions not stated): ESP Exome Variant Server 0.00015; gnomAD 0.00019 and 0.00020; TOPMed 0.00020.
gnomAD v4.1: 338 of 1,614,042 alleles (0.021%); highest among the groups gnomAD compares: Middle Eastern, 0.05%; 1 homozygote.

Submissions (6):

Labcorp Genetics (formerly Invitae), Labcorp
Classification: Benign. Last evaluated: 2025-04-11. Review status: criteria provided, single submitter. Criteria: Invitae Variant Classification Sherloc (09022015). Collection method: clinical testing. Allele origin: germline.

Mayo Clinic Laboratories, Mayo Clinic
Classification: Uncertain significance. Last evaluated: 2024-08-14. Review status: criteria provided, single submitter. Criteria: ACMG Guidelines, 2015. Collection method: clinical testing. Allele origin: germline. Observed: 1 variant allele.
Comment: BS1

CeGaT Center for Human Genetics Tuebingen
Classification: Likely benign. Last evaluated: 2023-05-01. Review status: criteria provided, single submitter. Criteria: CeGaT Center For Human Genetics Tuebingen Variant Classification Criteria Version 2. Collection method: clinical testing. Allele origin: germline. Affected: yes. Observed: 1 variant allele.
Comment: UMOD: BP4

Ambry Genetics
Classification: Uncertain significance for Inborn genetic diseases. Last evaluated: 2022-10-03. Review status: criteria provided, single submitter. Criteria: Ambry Variant Classification Scheme 2023. Collection method: clinical testing. Allele origin: germline.

Illumina Laboratory Services, Illumina
Classification: Benign for UMOD-Associated Kidney Disease. Last evaluated: 2018-01-12. Review status: criteria provided, single submitter. Criteria: ICSL Variant Classification Criteria 13 December 2019. Collection method: clinical testing. Allele origin: germline.
Comment: This variant was observed in the ICSL laboratory as part of a predisposition screen in an ostensibly healthy population. It had not been previously curated by ICSL or reported in the Human Gene Mutation Database (HGMD: prior to June 1st, 2018), and was therefore a candidate for classification through an automated scoring system. Utilizing variant allele frequency, disease prevalence and penetrance estimates, and inheritance mode, an automated score was calculated to assess if this variant is too frequent to cause the disease. Based on the score and internal cut-off values, a variant classified as benign is not then subjected to further curation. The score for this variant resulted in a classification of benign for this disease.

Breakthrough Genomics
Classification: Benign. Review status: criteria provided, single submitter. Criteria: ACMG Guidelines, 2015. Collection method: not provided. Allele origin: germline. Inheritance: Autosomal dominant inheritance. Affected: yes.

NM_003361.4(UMOD):c.1742C>A (p.Thr581Asn)

Gene: UMOD (uromodulin; minus strand). Cytogenetic location: 16p12.3.
Variant type: single nucleotide variant.
Coding change: c.1742C>A on transcript NM_003361.4 (MANE Select); coding-DNA position 1742, C replaced by A.
Protein change: p.Thr581Asn; replaces threonine 581 with asparagine.
Molecular consequence: missense variant. On other transcripts: non-coding transcript variant (1).
Genome position (GRCh38, 1-based): chr16:20,336,726, G>T on the plus strand (C>A on the coding strand, the complement: UMOD is on the minus strand). VCF-style: chr16-20336726-G-T. GRCh37 (hg19) VCF-style: chr16-20348048-G-T.
Other names: p.Thr581Asn; c.1742C>A, p.Thr581Asn (NM_001008389.3, NM_001378232.1, NM_001378233.1); c.1841C>A, p.Thr614Asn (NM_001278614.2); c.1883C>A, p.Thr628Asn (NM_001378234.1, NM_001378235.1); c.1742C>A (NM_003361.2); short protein forms T581N, T614N, T628N.
Identifiers: ClinVar variation 318284 (VCV000318284.39), dbSNP rs143641292, ClinGen allele CA7939034.
Genomic context (GRCh38, chr16:20,336,726, plus strand): 5'-AAGTTCAGGACACGGGATTGATCTATGACACTCCCACTTCGGAATCTGGTCCCAGAGCAG[G>T]TCTACAGGGAGAGGGCAATAGAAAAACACCCTCCATGAAGGAGCCTGAATGTGGTTCTGC-3'
Protein context (NP_003352.2, residues 571-591): CDTMNEKCKP[Thr581Asn]CSGTRFRSGS